The following is an entry in ClinVar:

NM_001267550.2(TTN):c.3737A>T (p.His1246Leu)

Genes: TTN (titin; minus strand), LOC101927055 (uncharacterized LOC101927055; plus strand). Cytogenetic location: 2q31.2.
Variant type: single nucleotide variant.
Coding change: c.3737A>T on transcript NM_001267550.2 (MANE Select); coding-DNA position 3737, A replaced by T.
Protein change: p.His1246Leu; replaces histidine 1246 with leucine.
Molecular consequence: missense variant.
Genome position (GRCh38, 1-based): chr2:178,779,455, T>A on the plus strand (A>T on the coding strand, the complement: TTN is on the minus strand). VCF-style: chr2-178779455-T-A. GRCh37 (hg19) VCF-style: chr2-179644182-T-A.
Other names: p.H1246L:CAT>CTT; c.3599A>T, p.His1200Leu (NM_003319.4, NM_133432.3, NM_133437.4); c.3737A>T, p.His1246Leu (NM_133379.5, NM_001256850.1, NM_133378.4); short protein forms H1246L, H1200L.
Identifiers: ClinVar variation 192087 (VCV000192087.6), dbSNP rs201988645, ClinGen allele CA302573.

ClinVar aggregate classification (germline): Conflicting classifications of pathogenicity. Review status: criteria provided, conflicting classifications (1 of 4 stars). 4 submissions from 4 submitters: Uncertain significance (3); Likely benign (1). Last evaluated 2022-12-01.

Allele frequency attached by ClinVar (database versions not stated): gnomAD exomes below 0.00001 and 0.00001; gnomAD 0.00001; TOPMed 0.00006.
gnomAD v4.1: 9 of 1,520,592 alleles (0.00059%); highest among the groups gnomAD compares: Middle Eastern, 0.038%; no homozygotes.

Submissions (4):

Blueprint Genetics
Classification: Likely benign. Last evaluated: 2022-12-01. Review status: criteria provided, single submitter. Criteria: ACMG Guidelines, 2015. Collection method: clinical testing. Allele origin: germline.

Revvity Omics, Revvity
Classification: Uncertain significance. Last evaluated: 2021-05-06. Review status: criteria provided, single submitter. Criteria: ACMG Guidelines, 2015. Collection method: clinical testing. Allele origin: germline.

GeneDx
Classification: Uncertain significance. Last evaluated: 2014-11-12. Review status: criteria provided, single submitter. Criteria: GeneDx Variant Classification (06012015). Collection method: clinical testing. Allele origin: germline. Affected: yes.
Comment: Missense variants in the TTN gene are considered 'unclassified' if they are not previously reported in the literature and do not have >1% frequency in the population to be considered a polymorphism. Research indicates that truncating mutations in the TTN gene are expected to account for approximately 25% of familial and 18% of sporadic idiopathic DCM; however, truncating variants in the TTN gene have been reported in approximately 3% of reported control alleles. There has been little investigation into non-truncating variants. (Herman D et al. Truncations of titin causing dilated cardiomyopathy. N Eng J Med 366:619-628, 2012) The variant is found in DCM-CRDM panel(s).

Biesecker Lab/Clinical Genomics Section, National Institutes of Health
Classification: Uncertain significance. Last evaluated: 2013-06-24. Review status: criteria provided, single submitter. Criteria: Ng et al. (Circ Cardiovasc Genet. 2013). Collection method: research. Allele origin: unknown. Observed: 1 variant allele. Study: ClinSeq.
Comment: The study set was not selected for affection status in relation to any cancer. Pathogenicity categories were based on literature curation. See Pubmed ID:23861362 for details.

Medical sequencing